The following is an entry in ClinVar:

NM_022095.4(ZNF335):c.3412G>A (p.Ala1138Thr)

Gene: ZNF335 (zinc finger protein 335; minus strand). Cytogenetic location: 20q13.12.
Variant type: single nucleotide variant.
Coding change: c.3412G>A on transcript NM_022095.4 (MANE Select); coding-DNA position 3412, G replaced by A.
Protein change: p.Ala1138Thr; replaces alanine 1138 with threonine.
Molecular consequence: missense variant.
Genome position (GRCh38, 1-based): chr20:45,950,294, C>T on the plus strand (G>A on the coding strand, the complement: ZNF335 is on the minus strand). VCF-style: chr20-45950294-C-T. GRCh37 (hg19) VCF-style: chr20-44578933-C-T.
Other names: short protein forms A1138T.
Identifiers: ClinVar variation 1930922 (VCV001930922.5), dbSNP rs2515525519, ClinGen allele CA409235425.

ClinVar aggregate classification (germline): Uncertain significance (1 of 4 stars; one submission).

Submission:

Labcorp Genetics (formerly Invitae), Labcorp
Classification: Uncertain significance. Last evaluated: 2022-03-04. Review status: criteria provided, single submitter. Criteria: Invitae Variant Classification Sherloc (09022015). Collection method: clinical testing. Allele origin: germline.
Comment: In summary, the available evidence is currently insufficient to determine the role of this variant in disease. Therefore, it has been classified as a Variant of Uncertain Significance. Algorithms developed to predict the effect of missense changes on protein structure and function output the following: SIFT: "Deleterious"; PolyPhen-2: "Benign"; Align-GVGD: "Class C0". The threonine amino acid residue is found in multiple mammalian species, which suggests that this missense change does not adversely affect protein function. This variant has not been reported in the literature in individuals affected with ZNF335-related conditions. This variant is not present in population databases (gnomAD no frequency). This sequence change replaces alanine, which is neutral and non-polar, with threonine, which is neutral and polar, at codon 1138 of the ZNF335 protein (p.Ala1138Thr).